The following is an entry in ClinVar:

NM_198904.4(GABRG2):c.540C>A (p.Tyr180Ter)

Gene: GABRG2 (gamma-aminobutyric acid type A receptor subunit gamma2; plus strand). Cytogenetic location: 5q34.
Variant type: single nucleotide variant.
Coding change: c.540C>A on transcript NM_198904.4 (MANE Select); coding-DNA position 540, C replaced by A.
Protein change: p.Tyr180Ter; replaces tyrosine 180 with a stop codon.
Molecular consequence: nonsense.
Genome position (GRCh38, 1-based): chr5:162,097,850, C>A. VCF-style: chr5-162097850-C-A. GRCh37 (hg19) VCF-style: chr5-161524856-C-A.
Other names: c.531C>A, p.Tyr177Ter (NM_001375339.1); c.540C>A, p.Tyr180Ter (NM_001375340.1, NM_001375341.1, NM_001375342.1 and 4 more transcripts); c.474C>A, p.Tyr158Ter (NM_001375345.1, NM_001375346.1); c.453C>A, p.Tyr151Ter (NM_001375347.1); c.120C>A, p.Tyr40Ter (NM_001375348.1, NM_001375350.1); c.255C>A, p.Tyr85Ter (NM_001375349.1); short protein forms Y180*, Y151*, Y158*, Y177*, Y40*, Y85*.
Identifiers: ClinVar variation 379047 (VCV000379047.2), dbSNP rs1057520476, ClinGen allele CA16604909.

ClinVar aggregate classification (germline): Likely pathogenic (1 of 4 stars; one submission).

Submission:

GeneDx
Classification: Likely pathogenic. Last evaluated: 2016-10-18. Review status: criteria provided, single submitter. Criteria: GeneDx Variant Classification (06012015). Collection method: clinical testing. Allele origin: germline. Affected: yes.
Comment: A novel Y180X variant that is likely pathogenic has been identified in the GABRG2 gene. The Y180X variant has not been published as a pathogenic variant, nor has it been reported as a benign variant to our knowledge. It was not observed in approximately 6,500 individuals of European and African American ancestry in the NHLBI Exome Sequencing Project, indicating it is not a common benign variant in these populations. The Y180X nonsense variant in the GABRG2 gene is predicted to cause loss of normal protein function either through protein truncation or nonsense-mediated mRNA decay. Therefore, this variant is likely pathogenic; however, the possibility that it is benign cannot be excluded.